The following is an entry in ClinVar:

ClinVar aggregate classification (germline): Conflicting classifications of pathogenicity. Review status: criteria provided, conflicting classifications (1 of 4 stars). 2 submissions from 2 submitters: Uncertain significance (1); Likely benign (1). Last evaluated 2026-07-13.

Conditions:
Oligodontia-cancer predisposition syndrome. Also called: TOOTH AGENESIS-COLORECTAL CANCER SYNDROME. Identifiers: Orphanet 300576, MedGen C1837750, MONDO:0012075, OMIM 608615. Disease mechanism: loss of function.
Hereditary cancer-predisposing syndrome. Also called: Tumor predisposition; Hereditary neoplastic syndrome; Hereditary Cancer Syndrome; Neoplastic Syndromes, Hereditary. Identifiers: Orphanet 140162, MedGen C0027672, MeSH D009386, MONDO:0015356.

Submissions (2):

Ambry Genetics
Classification: Uncertain significance for Hereditary cancer-predisposing syndrome. Last evaluated: 2026-07-13. Review status: criteria provided, single submitter. Criteria: Ambry Variant Classification Scheme 2023. Collection method: clinical testing. Allele origin: germline.
Comment: The c.2238-5T>C intronic variant results from a T to C substitution 5 nucleotides upstream from coding exon 9 in the AXIN2 gene. This nucleotide position is well conserved in available vertebrate species. In silico splice site analysis predicts that this alteration will not have any significant effect on splicing. Based on the available evidence, the clinical significance of this variant remains unclear.

Labcorp Genetics (formerly Invitae), Labcorp
Classification: Likely benign for Oligodontia-cancer predisposition syndrome. Last evaluated: 2024-09-27. Review status: criteria provided, single submitter. Criteria: Invitae Variant Classification Sherloc (09022015). Collection method: clinical testing. Allele origin: germline.

NM_004655.4(AXIN2):c.2238-5T>C

Gene: AXIN2 (axin 2; minus strand). Cytogenetic location: 17q24.1.
Variant type: single nucleotide variant.
Coding change: c.2238-5T>C on transcript NM_004655.4 (MANE Select); 5 bases into the intron before coding-DNA position 2238, T replaced by C.
Molecular consequence: intron variant.
Genome position (GRCh38, 1-based): chr17:65,534,084, A>G on the plus strand (T>C on the coding strand, the complement: AXIN2 is on the minus strand). VCF-style: chr17-65534084-A-G. GRCh37 (hg19) VCF-style: chr17-63530202-A-G.
Other names: c.2238-5T>C (NM_004655.3); c.2043-5T>C (NM_001363813.1).
Identifiers: ClinVar variation 3721619 (VCV003721619.3).